The following is an entry in ClinVar:

ClinVar aggregate classification (germline): Conflicting classifications of pathogenicity. Review status: criteria provided, conflicting classifications (1 of 4 stars). 3 submissions from 3 submitters: Uncertain significance (1); Likely benign (2). Last evaluated 2025-08-21.

Conditions:
Inborn genetic diseases. Identifiers: MedGen C0950123, MeSH D030342.

Allele frequency attached by ClinVar (database versions not stated): TOPMed 0.00002; gnomAD 0.00003; ExAC 0.00005; gnomAD exomes 0.00008; 1000 Genomes Project 30x 0.00031; 1000 Genomes Project 0.00040.
gnomAD v4.1: 126 of 1,614,154 alleles (0.0078%); highest among the groups gnomAD compares: East Asian, 0.22%; no homozygotes.

Submissions (3):

Labcorp Genetics (formerly Invitae), Labcorp
Classification: Uncertain significance. Last evaluated: 2025-08-21. Review status: criteria provided, single submitter. Criteria: Invitae Variant Classification Sherloc (09022015). Collection method: clinical testing. Allele origin: germline.
Comment: This sequence change replaces arginine, which is basic and polar, with glutamine, which is neutral and polar, at codon 5269 of the MACF1 protein (p.Arg5269Gln). This variant is present in population databases (rs183345423, gnomAD 0.03%). This variant has not been reported in the literature in individuals affected with MACF1-related conditions. ClinVar contains an entry for this variant (Variation ID: 2907646). An algorithm developed to predict the effect of missense changes on protein structure and function (PolyPhen-2) suggests that this variant is likely to be disruptive. In summary, the available evidence is currently insufficient to determine the role of this variant in disease. Therefore, it has been classified as a Variant of Uncertain Significance.

Blueprint Genetics
Classification: Likely benign. Last evaluated: 2024-10-17. Review status: criteria provided, single submitter. Criteria: ACMG Guidelines, 2015. Collection method: clinical testing. Allele origin: germline.

Ambry Genetics
Classification: Likely benign for Inborn genetic diseases. Last evaluated: 2024-07-05. Review status: criteria provided, single submitter. Criteria: Ambry Variant Classification Scheme 2023. Collection method: clinical testing. Allele origin: germline.

NM_001394062.1(MACF1):c.22070G>A (p.Arg7357Gln)

Gene: MACF1 (microtubule actin crosslinking factor 1; plus strand). Cytogenetic location: 1p34.3.
Variant type: single nucleotide variant.
Coding change: c.22070G>A on transcript NM_001394062.1 (MANE Select); coding-DNA position 22070, G replaced by A.
Protein change: p.Arg7357Gln; replaces arginine 7357 with glutamine.
Molecular consequence: missense variant.
Genome position (GRCh38, 1-based): chr1:39,479,909, G>A. VCF-style: chr1-39479909-G-A. GRCh37 (hg19) VCF-style: chr1-39945581-G-A.
Other names: c.15806G>A (NM_012090.4); c.10061G>A, p.Arg3354Gln (NM_001397473.1); c.15806G>A, p.Arg5269Gln (NM_012090.5); short protein forms R7357Q, R3354Q, R5269Q.
Identifiers: ClinVar variation 2907646 (VCV002907646.5), dbSNP rs183345423, ClinGen allele CA784809.